The following is an entry in ClinVar:

ClinVar aggregate classification (germline): Uncertain significance (1 of 4 stars; one submission).

gnomAD v4.1: 1 of 1,614,052 alleles (0.000062%); highest among the groups gnomAD compares: Non-Finnish European, 0.000085%; no homozygotes.

Submission:

Mayo Clinic Laboratories, Mayo Clinic
Classification: Uncertain significance. Last evaluated: 2025-10-30. Review status: criteria provided, single submitter. Criteria: ACMG Guidelines, 2015. Collection method: clinical testing. Allele origin: germline. Observed: 2 variant alleles.
Comment: BP4_moderate, PM2_supporting

NM_018060.4(IARS2):c.2999C>T (p.Thr1000Ile)

Gene: IARS2 (isoleucyl-tRNA synthetase 2, mitochondrial; plus strand). Cytogenetic location: 1q41.
Variant type: single nucleotide variant.
Coding change: c.2999C>T on transcript NM_018060.4 (MANE Select); coding-DNA position 2999, C replaced by T.
Protein change: p.Thr1000Ile; replaces threonine 1000 with isoleucine.
Molecular consequence: missense variant.
Genome position (GRCh38, 1-based): chr1:220,147,595, C>T. VCF-style: chr1-220147595-C-T. GRCh37 (hg19) VCF-style: chr1-220320937-C-T.
Other names: p.Thr1000Ile; short protein forms T1000I.
Identifiers: ClinVar variation 4542252 (VCV004542252.1).